The following is an entry in ClinVar:

ClinVar aggregate classification (germline): Uncertain significance (0 of 4 stars; one submission).

Conditions:
CNNM2-related disorder. Also called: CNNM2-related condition.

Submission:

PreventionGenetics, part of Exact Sciences
Classification: Uncertain significance for CNNM2-related condition. Last evaluated: 2024-06-01. Review status: no assertion criteria provided. Collection method: clinical testing. Allele origin: germline.
Comment: The CNNM2 c.521A>T variant is predicted to result in the amino acid substitution p.Glu174Val. To our knowledge, this variant has not been reported in the literature or in a large population database, indicating this variant is rare. At this time, the clinical significance of this variant is uncertain due to the absence of conclusive functional and genetic evidence.

NM_017649.5(CNNM2):c.521A>T (p.Glu174Val)

Gene: CNNM2 (cyclin and CBS domain divalent metal cation transport mediator 2; plus strand). Cytogenetic location: 10q24.32.
Variant type: single nucleotide variant.
Coding change: c.521A>T on transcript NM_017649.5 (MANE Select); coding-DNA position 521, A replaced by T.
Protein change: p.Glu174Val; replaces glutamic acid 174 with valine.
Molecular consequence: missense variant.
Genome position (GRCh38, 1-based): chr10:102,919,001, A>T. VCF-style: chr10-102919001-A-T. GRCh37 (hg19) VCF-style: chr10-104678758-A-T.
Other names: c.521A>T, p.Glu174Val (NM_199076.3, NM_199077.3); short protein forms E174V.
Identifiers: ClinVar variation 3346183 (VCV003346183.1).
Genomic context (GRCh38, chr10:102,919,001, plus strand): 5'-CCTCAGACATCATCATCTTGCCCCACATCATTCTCAACCGCCGCACCTCGGGCATCATCG[A>T]GATCGAGATCAAACCGCTACGCAAGATGGAGAAGAGCAAGTCCTATTACCTGTGCACGTC-3'
Protein context (NP_060119.3, residues 164-184): ILNRRTSGII[Glu174Val]IEIKPLRKME